The following is an entry in ClinVar:

NM_001364564.1(SALL2):c.642G>A (p.Thr214=)

Gene: SALL2 (spalt like transcription factor 2; minus strand). Cytogenetic location: 14q11.2.
Variant type: single nucleotide variant.
Coding change: c.642G>A on transcript NM_001364564.1 (MANE Select); coding-DNA position 642, G replaced by A.
Protein change: p.Thr214=; no amino-acid change (threonine 214 retained).
Molecular consequence: synonymous variant. On other transcripts: intron variant (2).
Genome position (GRCh38, 1-based): chr14:21,525,080, C>T on the plus strand (G>A on the coding strand, the complement: SALL2 is on the minus strand). VCF-style: chr14-21525080-C-T. GRCh37 (hg19) VCF-style: chr14-21993214-C-T.
Other names: c.648G>A, p.Thr216= (NM_005407.3); c.392-149G>A (NM_001291446.2); c.386-149G>A (NM_001291447.2); c.648G>A (NM_005407.2).
Identifiers: ClinVar variation 2903305 (VCV002903305.5), dbSNP rs558593053, ClinGen allele CA7093812.

ClinVar aggregate classification (germline): Likely benign. Review status: criteria provided, single submitter (1 of 4 stars). 2 submissions from 2 submitters: Likely benign (1). 1 of the submissions does not count toward it. Last evaluated 2025-08-24.

Conditions:
SALL2-related disorder. Also called: SALL2-related condition.

Allele frequency attached by ClinVar (database versions not stated): ExAC 0.00007; gnomAD 0.00015.
gnomAD v4.1: 101 of 1,613,988 alleles (0.0063%); highest among the groups gnomAD compares: Non-Finnish European, 0.0082%; no homozygotes.

Submissions (2):

Labcorp Genetics (formerly Invitae), Labcorp
Classification: Likely benign. Last evaluated: 2025-08-24. Review status: criteria provided, single submitter. Criteria: Invitae Variant Classification Sherloc (09022015). Collection method: clinical testing. Allele origin: germline.

PreventionGenetics, part of Exact Sciences
Classification: Likely benign for SALL2-related condition. Last evaluated: 2021-05-18. Review status: no assertion criteria provided. Collection method: clinical testing. Allele origin: germline. Not counted in ClinVar's aggregate classification.
Comment: This variant is classified as likely benign based on ACMG/AMP sequence variant interpretation guidelines (Richards et al. 2015 PMID: 25741868, with internal and published modifications).